The following is an entry in ClinVar:

ClinVar aggregate classification (germline): Pathogenic (1 of 4 stars; one submission).

Conditions:
Primary hyperoxaluria, type I (HP1). Also called: OXALOSIS I; Primary hyperoxaluria type 1; GLYCOLIC ACIDURIA; HEPATIC AGT DEFICIENCY. Identifiers: Orphanet 416, Orphanet 93598, MedGen C0268164, MONDO:0009823, OMIM 259900. Disease mechanism: loss of function.

Submission:

Natera, Inc.
Classification: Pathogenic for Primary hyperoxaluria type I. Last evaluated: 2024-06-13. Review status: criteria provided, single submitter. Criteria: Natera Variant Classification Schema (03/2026). Collection method: clinical testing. Allele origin: germline.
Comment: The c.595+1G>C variant in AGXT is a canonical splice donor site variant predicted to affect pre-mRNA splicing, which may result in an abnormal transcript and altered protein product. This variant is expected to result in nonsense mediated decay, truncation, or a dysfunctional protein product. This variant is rare in the general population with a frequency below the threshold expected for the associated phenotype(s). Another variant at this same site results in an alteration predicted to cause a similar molecular effect has been observed in individual(s) with the associated phenotype. Given the available evidence, this variant is classified as Pathogenic.

NM_000030.3(AGXT):c.595+1G>C

Gene: AGXT (alanine--glyoxylate aminotransferase; plus strand). Cytogenetic location: 2q37.3.
Variant type: single nucleotide variant.
Coding change: c.595+1G>C on transcript NM_000030.3 (MANE Select); the canonical splice donor site of the intron after coding-DNA position 595, G replaced by C.
Molecular consequence: splice donor variant.
Genome position (GRCh38, 1-based): chr2:240,873,050, G>C. VCF-style: chr2-240873050-G-C. GRCh37 (hg19) VCF-style: chr2-241812467-G-C.
Identifiers: ClinVar variation 4818027 (VCV004818027.1).